The following is an entry in ClinVar:

ClinVar aggregate classification (germline): Pathogenic (1 of 4 stars; one submission).

Conditions:
Inborn genetic diseases. Identifiers: MedGen C0950123, MeSH D030342.

Submission:

Ambry Genetics
Classification: Pathogenic for Inborn genetic diseases. Last evaluated: 2023-11-14. Review status: criteria provided, single submitter. Criteria: Ambry Variant Classification Scheme 2023. Collection method: clinical testing. Allele origin: germline.
Comment: The c.1119dupT (p.G374Wfs*7) alteration, located in exon 9 (coding exon 9) of the SLC2A1 gene, consists of a duplication of T at position 1119, causing a translational frameshift with a predicted alternate stop codon after 7 amino acids. This alteration is expected to result in loss of function by premature protein truncation or nonsense-mediated mRNA decay. This variant was not reported in population-based cohorts in the Genome Aggregation Database (gnomAD). Based on the available evidence, this alteration is classified as pathogenic.

NM_006516.4(SLC2A1):c.1119dup (p.Gly374fs)

Gene: SLC2A1 (solute carrier family 2 member 1; minus strand). Cytogenetic location: 1p34.2.
Variant type: Duplication.
Coding change: c.1119dup on transcript NM_006516.4 (MANE Select); coding-DNA position 1119, one base duplicated (T; older notation c.1119dupT).
Protein change: p.Gly374fs; shifts the reading frame from glycine 374.
Molecular consequence: frameshift variant.
Genome position (GRCh38, 1-based): chr1:42,927,764, A duplicated on the plus strand (T on the coding strand, the reverse complement: SLC2A1 is on the minus strand); the first of 3 consecutive A bases (chr1:42,927,764-42,927,766); duplicating any one gives the same sequence. VCF-style (leftmost placement, unchanged base first): chr1-42927763-C-CA. GRCh37 (hg19) VCF-style: chr1-43393434-C-CA.
Other names: short protein forms G374fs.
Identifiers: ClinVar variation 3164086 (VCV003164086.1), dbSNP rs2524984900, ClinGen allele CA2825000962.